The following is an entry in ClinVar:

NM_017649.5(CNNM2):c.2557del (p.Leu853fs)

Gene: CNNM2 (cyclin and CBS domain divalent metal cation transport mediator 2; plus strand). Cytogenetic location: 10q24.32.
Variant type: Deletion.
Coding change: c.2557del on transcript NM_017649.5 (MANE Select); coding-DNA position 2557, one base deleted (C; older notation c.2557delC).
Protein change: p.Leu853fs; shifts the reading frame from leucine 853.
Molecular consequence: frameshift variant.
Genome position (GRCh38, 1-based): chr10:103,077,109, C deleted; the last of 2 consecutive C bases (chr10:103,077,108-103,077,109); deleting either gives the same sequence. VCF-style (leftmost placement, unchanged base first): chr10-103077107-AC-A. GRCh37 (hg19) VCF-style: chr10-104836864-AC-A.
Other names: c.2491del, p.Leu831fs (NM_199076.3); short protein forms L853fs, L831fs.
Identifiers: ClinVar variation 2108308 (VCV002108308.4), dbSNP rs2493673862, ClinGen allele CA2580081208.

ClinVar aggregate classification (germline): Uncertain significance (1 of 4 stars; one submission).

Submission:

Labcorp Genetics (formerly Invitae), Labcorp
Classification: Uncertain significance. Last evaluated: 2025-09-02. Review status: criteria provided, single submitter. Criteria: Invitae Variant Classification Sherloc (09022015). Collection method: clinical testing. Allele origin: germline.
Comment: This sequence change creates a premature translational stop signal (p.Leu853Cysfs*8) in the CNNM2 gene. While this is not anticipated to result in nonsense mediated decay, it is expected to disrupt the last 23 amino acid(s) of the CNNM2 protein. This variant is not present in population databases (gnomAD no frequency). This variant has not been reported in the literature in individuals affected with CNNM2-related conditions. ClinVar contains an entry for this variant (Variation ID: 2108308). Experimental studies and prediction algorithms are not available or were not evaluated, and the functional significance of this variant is currently unknown. In summary, the available evidence is currently insufficient to determine the role of this variant in disease. Therefore, it has been classified as a Variant of Uncertain Significance.